The following is an entry in ClinVar:

ClinVar aggregate classification (germline): Likely benign (1 of 4 stars; one submission).

Conditions:
SIX5-related disorder. Also called: SIX5-related condition.

Submission:

PreventionGenetics, part of Exact Sciences
Classification: Likely benign for SIX5-related condition. Last evaluated: 2025-02-19. Review status: criteria provided, single submitter. Criteria: ACMG Guidelines, 2015. Collection method: clinical testing. Allele origin: germline.
Comment: This variant is classified as likely benign based on ACMG/AMP sequence variant interpretation guidelines (Richards et al. 2015 PMID: 25741868, with internal and published modifications).

NM_175875.5(SIX5):c.198C>G (p.Ser66=)

Genes: DM1-AS (DM1 locus antisense RNA; plus strand), SIX5 (SIX homeobox 5; minus strand), LOC107075317 (origin of replication in DMPK trinucleotide repeat region; plus strand), LOC129929037 (ATAC-STARR-seq lymphoblastoid silent region 10794; plus strand). Cytogenetic location: 19q13.32.
Variant type: single nucleotide variant.
Coding change: c.198C>G on transcript NM_175875.5 (MANE Select); coding-DNA position 198, C replaced by G.
Protein change: p.Ser66=; no amino-acid change (serine 66 retained).
Molecular consequence: synonymous variant.
Genome position (GRCh38, 1-based): chr19:45,768,647, G>C on the plus strand (C>G on the coding strand, the complement: SIX5 is on the minus strand). VCF-style: chr19-45768647-G-C. GRCh37 (hg19) VCF-style: chr19-46271905-G-C.
Identifiers: ClinVar variation 5000308 (VCV005000308.1).